The following is an entry in ClinVar:

ClinVar aggregate classification (germline): Uncertain significance (1 of 4 stars; one submission).

Conditions:
Hereditary cancer-predisposing syndrome. Also called: Neoplastic Syndromes, Hereditary; Tumor predisposition; Hereditary Cancer Syndrome; Hereditary neoplastic syndrome. Identifiers: Orphanet 140162, MedGen C0027672, MeSH D009386, MONDO:0015356.

Submission:

Ambry Genetics
Classification: Uncertain significance for Hereditary cancer-predisposing syndrome. Last evaluated: 2020-04-14. Review status: criteria provided, single submitter. Criteria: Ambry Variant Classification Scheme 2023. Collection method: clinical testing. Allele origin: germline.
Comment: The p.L281R variant (also known as c.842T>G), located in coding exon 9 of the POLE gene, results from a T to G substitution at nucleotide position 842. The leucine at codon 281 is replaced by arginine, an amino acid with dissimilar properties. This amino acid position is highly conserved in available vertebrate species. In addition, this alteration is predicted to be deleterious by in silico analysis. Since supporting evidence is limited at this time, the clinical significance of this alteration remains unclear.

NM_006231.4(POLE):c.842T>G (p.Leu281Arg)

Gene: POLE (DNA polymerase epsilon, catalytic subunit; minus strand). Cytogenetic location: 12q24.33.
Variant type: single nucleotide variant.
Coding change: c.842T>G on transcript NM_006231.4 (MANE Select); coding-DNA position 842, T replaced by G.
Protein change: p.Leu281Arg; replaces leucine 281 with arginine.
Molecular consequence: missense variant.
Genome position (GRCh38, 1-based): chr12:132,676,613, A>C on the plus strand (T>G on the coding strand, the complement: POLE is on the minus strand). VCF-style: chr12-132676613-A-C. GRCh37 (hg19) VCF-style: chr12-133253199-A-C.
Other names: short protein forms L281R.
Identifiers: ClinVar variation 1763359 (VCV001763359.2), dbSNP rs1555229430, ClinGen allele CA387364303.